The following is an entry in ClinVar:

ClinVar aggregate classification (germline): Uncertain significance (1 of 4 stars; one submission).

Allele frequency attached by ClinVar (database versions not stated): ExAC 0.00001.

Submission:

Labcorp Genetics (formerly Invitae), Labcorp
Classification: Uncertain significance. Last evaluated: 2025-08-21. Review status: criteria provided, single submitter. Criteria: Invitae Variant Classification Sherloc (09022015). Collection method: clinical testing. Allele origin: germline.
Comment: This sequence change replaces cysteine, which is neutral and slightly polar, with tyrosine, which is neutral and polar, at codon 155 of the BRWD3 protein (p.Cys155Tyr). This variant is present in population databases (rs766306533, gnomAD 0.003%), including at least one homozygous and/or hemizygous individual. This variant has not been reported in the literature in individuals affected with BRWD3-related conditions. ClinVar contains an entry for this variant (Variation ID: 2871248). Invitae Evidence Modeling of protein sequence and biophysical properties (such as structural, functional, and spatial information, amino acid conservation, physicochemical variation, residue mobility, and thermodynamic stability) indicates that this missense variant is not expected to disrupt BRWD3 protein function with a negative predictive value of 80%. In summary, the available evidence is currently insufficient to determine the role of this variant in disease. Therefore, it has been classified as a Variant of Uncertain Significance.

NM_153252.5(BRWD3):c.464G>A (p.Cys155Tyr)

Gene: BRWD3 (bromodomain and WD repeat domain containing 3; minus strand). Cytogenetic location: Xq21.1.
Variant type: single nucleotide variant.
Coding change: c.464G>A on transcript NM_153252.5 (MANE Select); coding-DNA position 464, G replaced by A.
Protein change: p.Cys155Tyr; replaces cysteine 155 with tyrosine.
Molecular consequence: missense variant.
Genome position (GRCh38, 1-based): chrX:80,745,696, C>T on the plus strand (G>A on the coding strand, the complement: BRWD3 is on the minus strand). VCF-style: chrX-80745696-C-T. GRCh37 (hg19) VCF-style: chrX-80001195-C-T.
Other names: short protein forms C155Y.
Identifiers: ClinVar variation 2871248 (VCV002871248.3), dbSNP rs766306533, ClinGen allele CA10462352.
Genomic context (GRCh38, chrX:80,745,696, plus strand): 5'-CTCTTATGCATCTTAATGTGCTGGTAAGCAGATGAAGGGAAAATATGACCAAAGCGACTA[C>T]AGCCGGTTAATTGCCTGGCAGAGGTGATATTCACTGAAAAAAATACGAAATTAACTTAAA-3'
Protein context (NP_694984.5, residues 145-165): NITSARQLTG[Cys155Tyr]SRFGHIFPSS